The following is an entry in ClinVar:

ClinVar aggregate classification (germline): Uncertain significance (1 of 4 stars; one submission).

Submission:

Labcorp Genetics (formerly Invitae), Labcorp
Classification: Uncertain significance. Last evaluated: 2022-08-16. Review status: criteria provided, single submitter. Criteria: Invitae Variant Classification Sherloc (09022015). Collection method: clinical testing. Allele origin: germline.
Comment: This variant is not present in population databases (gnomAD no frequency). In summary, the available evidence is currently insufficient to determine the role of this variant in disease. Therefore, it has been classified as a Variant of Uncertain Significance. Algorithms developed to predict the effect of missense changes on protein structure and function are either unavailable or do not agree on the potential impact of this missense change (SIFT: "Tolerated"; PolyPhen-2: "Probably Damaging"; Align-GVGD: "Class C0"). ClinVar contains an entry for this variant (Variation ID: 1356408). This variant has not been reported in the literature in individuals affected with SLC34A3-related conditions. This sequence change replaces glycine, which is neutral and non-polar, with aspartic acid, which is acidic and polar, at codon 519 of the SLC34A3 protein (p.Gly519Asp).

NM_001177316.2(SLC34A3):c.1556G>A (p.Gly519Asp)

Gene: SLC34A3 (solute carrier family 34 member 3; plus strand). Cytogenetic location: 9q34.3.
Variant type: single nucleotide variant.
Coding change: c.1556G>A on transcript NM_001177316.2 (MANE Select); coding-DNA position 1556, G replaced by A.
Protein change: p.Gly519Asp; replaces glycine 519 with aspartic acid.
Molecular consequence: missense variant.
Genome position (GRCh38, 1-based): chr9:137,236,172, G>A. VCF-style: chr9-137236172-G-A. GRCh37 (hg19) VCF-style: chr9-140130624-G-A.
Other names: c.1556G>A, p.Gly519Asp (NM_001177317.2, NM_080877.3); short protein forms G519D.
Identifiers: ClinVar variation 1356408 (VCV001356408.8), dbSNP rs1409293542, ClinGen allele CA375741020.